The following is an entry in ClinVar:

NM_003072.5(SMARCA4):c.4890C>A (p.Asp1630Glu)

Gene: SMARCA4 (SWI/SNF related BAF chromatin remodeling complex subunit ATPase 4; plus strand). Cytogenetic location: 19p13.2.
Variant type: single nucleotide variant.
Coding change: c.4890C>A on transcript NM_003072.5 (MANE Select); coding-DNA position 4890, C replaced by A.
Protein change: p.Asp1630Glu; replaces aspartic acid 1630 with glutamic acid.
Molecular consequence: missense variant. On other transcripts: non-coding transcript variant (1).
Genome position (GRCh38, 1-based): chr19:11,060,166, C>A. VCF-style: chr19-11060166-C-A. GRCh37 (hg19) VCF-style: chr19-11170842-C-A.
Other names: c.4890C>A, p.Asp1630Glu (NM_001128844.3); c.4800C>A, p.Asp1600Glu (NM_001128845.2); c.4797C>A, p.Asp1599Glu (NM_001128846.2); c.4791C>A, p.Asp1597Glu (NM_001128847.4, NM_001374457.1); c.4788C>A, p.Asp1596Glu (NM_001128848.2); c.4986C>A, p.Asp1662Glu (NM_001128849.3, NM_001387283.1); short protein forms D1662E, D1600E, D1596E, D1599E, D1597E, D1630E.
Identifiers: ClinVar variation 480617 (VCV000480617.16), dbSNP rs918621161, ClinGen allele CA404080939.

ClinVar aggregate classification (germline): Uncertain significance. Review status: criteria provided, multiple submitters, no conflicts (2 of 4 stars). 3 submissions from 3 submitters: Uncertain significance (3). Last evaluated 2021-07-15.

Conditions:
Hereditary cancer-predisposing syndrome. Also called: Hereditary Cancer Syndrome; Neoplastic Syndromes, Hereditary; Tumor predisposition; Hereditary neoplastic syndrome. Identifiers: Orphanet 140162, MedGen C0027672, MeSH D009386, MONDO:0015356.
Rhabdoid tumor predisposition syndrome 2 (RTPS2). Identifiers: Orphanet 231108, Orphanet 69077, MedGen C2750074, MONDO:0013224, OMIM 613325.
Intellectual disability, autosomal dominant 16 (CSS4). Also called: COFFIN-SIRIS SYNDROME 4. Identifiers: Orphanet 1465, MedGen C3553249, MONDO:0013821, OMIM 614609.

gnomAD v4.1: 1 of 1,551,136 alleles (0.000064%); highest among the groups gnomAD compares: African/African-American, 0.0014%; no homozygotes.

Submissions (3):

Genome-Nilou Lab
Classification: Uncertain significance for Intellectual disability, autosomal dominant 16. Last evaluated: 2021-07-15. Review status: criteria provided, single submitter. Criteria: ACMG Guidelines, 2015. Collection method: clinical testing. Allele origin: germline. Affected: no.

Labcorp Genetics (formerly Invitae), Labcorp
Classification: Uncertain significance for Rhabdoid tumor predisposition syndrome 2. Last evaluated: 2020-05-11. Review status: criteria provided, single submitter. Criteria: Invitae Variant Classification Sherloc (09022015). Collection method: clinical testing. Allele origin: germline.
Comment: In summary, the available evidence is currently insufficient to determine the role of this variant in disease. Therefore, it has been classified as a Variant of Uncertain Significance. This variant has not been reported in the literature in individuals with SMARCA4-related conditions. ClinVar contains an entry for this variant (Variation ID: 480617). This variant is not present in population databases (ExAC no frequency). This sequence change replaces aspartic acid with glutamic acid at codon 1662 of the SMARCA4 protein (p.Asp1662Glu). The aspartic acid residue is highly conserved and there is a small physicochemical difference between aspartic acid and glutamic acid.

Ambry Genetics
Classification: Uncertain significance for Hereditary cancer-predisposing syndrome. Last evaluated: 2016-03-24. Review status: criteria provided, single submitter. Criteria: Ambry Variant Classification Scheme 2023. Collection method: clinical testing. Allele origin: germline.
Comment: The p.D1662E variant (also known as c.4986C>A), located in coding exon 34 of the SMARCA4 gene, results from a C to A substitution at nucleotide position 4986. The aspartic acid at codon 1662 is replaced by glutamic acid, an amino acid with highly similar properties. This variant was not reported in population based cohorts in the following databases: Database of Single Nucleotide Polymorphisms (dbSNP), NHLBI Exome Sequencing Project (ESP), and 1000 Genomes Project. In the ESP, this variant was not observed in 5791 samples (11582 alleles) with coverage at this position. To date, this alteration has been detected with an allele frequency of approximately 0.003% (greater than 30000 alleles tested) in our clinical cohort. This amino acid position is highly conserved in available vertebrate species. In addition, this alteration is predicted to be tolerated by in silico analysis. Since supporting evidence is limited at this time, the clinical significance of this alteration remains unclear.